The following is an entry in ClinVar:

ClinVar aggregate classification (germline): Uncertain significance. Review status: criteria provided, multiple submitters, no conflicts (2 of 4 stars). 3 submissions from 3 submitters: Uncertain significance (3). Last evaluated 2026-07-01.

Conditions:
Hereditary cancer-predisposing syndrome. Also called: Hereditary neoplastic syndrome; Neoplastic Syndromes, Hereditary; Tumor predisposition; Hereditary Cancer Syndrome. Identifiers: Orphanet 140162, MedGen C0027672, MeSH D009386, MONDO:0015356.
Gorlin syndrome. Also called: Nevoid Basal Cell Carcinoma Syndrome; Basal cell nevus syndrome. Identifiers: Orphanet 377, MedGen C0004779, MONDO:0007187.

Submissions (3):

Ambry Genetics
Classification: Uncertain significance for Hereditary cancer-predisposing syndrome. Last evaluated: 2026-07-01. Review status: criteria provided, single submitter. Criteria: Ambry Variant Classification Scheme 2023. Collection method: clinical testing. Allele origin: germline.
Comment: The p.Q663K variant (also known as c.1987C>A), located in coding exon 14 of the PTCH1 gene, results from a C to A substitution at nucleotide position 1987. The glutamine at codon 663 is replaced by lysine, an amino acid with similar properties. This amino acid position is conserved. In addition, the in silico prediction for this alteration is inconclusive. Based on the available evidence, the clinical significance of this variant remains unclear.

Labcorp Genetics (formerly Invitae), Labcorp
Classification: Uncertain significance for Gorlin syndrome. Last evaluated: 2024-09-04. Review status: criteria provided, single submitter. Criteria: Invitae Variant Classification Sherloc (09022015). Collection method: clinical testing. Allele origin: germline.
Comment: This sequence change replaces glutamine, which is neutral and polar, with lysine, which is basic and polar, at codon 663 of the PTCH1 protein (p.Gln663Lys). This variant is not present in population databases (gnomAD no frequency). This variant has not been reported in the literature in individuals affected with PTCH1-related conditions. Invitae Evidence Modeling of protein sequence and biophysical properties (such as structural, functional, and spatial information, amino acid conservation, physicochemical variation, residue mobility, and thermodynamic stability) indicates that this missense variant is not expected to disrupt PTCH1 protein function with a negative predictive value of 95%. In summary, the available evidence is currently insufficient to determine the role of this variant in disease. Therefore, it has been classified as a Variant of Uncertain Significance.

Blueprint Genetics
Classification: Uncertain significance. Last evaluated: 2017-09-29. Review status: criteria provided, single submitter. Criteria: ACMG Guidelines, 2015. Collection method: clinical testing. Allele origin: germline.

NM_000264.5(PTCH1):c.1987C>A (p.Gln663Lys)

Genes: PTCH1 (patched 1; minus strand), LOC100507346 (uncharacterized LOC100507346; plus strand). Cytogenetic location: 9q22.32.
Variant type: single nucleotide variant.
Coding change: c.1987C>A on transcript NM_000264.5 (MANE Select); coding-DNA position 1987, C replaced by A.
Protein change: p.Gln663Lys; replaces glutamine 663 with lysine.
Molecular consequence: missense variant. On other transcripts: non-coding transcript variant (2).
Genome position (GRCh38, 1-based): chr9:95,469,014, G>T on the plus strand (C>A on the coding strand, the complement: PTCH1 is on the minus strand). VCF-style: chr9-95469014-G-T. GRCh37 (hg19) VCF-style: chr9-98231296-G-T.
Other names: c.1789C>A, p.Gln597Lys (NM_001083602.3); c.1984C>A, p.Gln662Lys (NM_001083603.3); c.1534C>A, p.Gln512Lys (NM_001083604.3, NM_001083605.3, NM_001083606.3 and 1 more transcripts); c.1831C>A, p.Gln611Lys (NM_001354918.2); short protein forms Q662K, Q512K, Q597K, Q611K, Q663K.
Identifiers: ClinVar variation 3635851 (VCV003635851.4).